The following is an entry in ClinVar:

NC_000003.11:g.(?_135969205)_(135980927_?)del

Gene: PCCB (propionyl-CoA carboxylase subunit beta; plus strand). Cytogenetic location: 3q22.3.
Variant type: Deletion.
Identifiers: ClinVar variation 3246855 (VCV003246855.1).

ClinVar aggregate classification (germline): Pathogenic (1 of 4 stars; one submission).

Conditions:
Propionic acidemia (PROP). Also called: GLYCINEMIA, KETOTIC; HYPERGLYCINEMIA WITH KETOACIDOSIS AND LEUKOPENIA; KETOTIC HYPERGLYCINEMIA. Identifiers: Orphanet 35, MedGen C0268579, MONDO:0011628, OMIM 606054, HP:0003571.

Submission:

Labcorp Genetics (formerly Invitae), Labcorp
Classification: Pathogenic for Propionic acidemia. Last evaluated: 2022-12-20. Review status: criteria provided, single submitter. Criteria: Invitae Variant Classification Sherloc (09022015). Collection method: clinical testing. Allele origin: unknown.
Comment: For these reasons, this variant has been classified as Pathogenic. This variant has not been reported in the literature in individuals affected with PCCB-related conditions. This variant is a gross deletion of the genomic region encompassing exon(s) 1-5 of the PCCB gene, which includes the initiator codon. This deletion extends beyond the assayed region for this gene and therefore may encompass additional genes. It is expected to result in an absent or disrupted protein product. Loss-of-function variants in PCCB are known to be pathogenic (PMID: 15464417).

Literature cited by the submitters: PubMed 15464417.